The following is an entry in ClinVar:

NM_000199.5(SGSH):c.542A>G (p.His181Arg)

Gene: SGSH (N-sulfoglucosamine sulfohydrolase; minus strand). Cytogenetic location: 17q25.3.
Variant type: single nucleotide variant.
Coding change: c.542A>G on transcript NM_000199.5 (MANE Select); coding-DNA position 542, A replaced by G.
Protein change: p.His181Arg; replaces histidine 181 with arginine.
Molecular consequence: missense variant. On other transcripts: non-coding transcript variant (1).
Genome position (GRCh38, 1-based): chr17:80,214,293, T>C on the plus strand (A>G on the coding strand, the complement: SGSH is on the minus strand). VCF-style: chr17-80214293-T-C. GRCh37 (hg19) VCF-style: chr17-78188092-T-C.
Other names: c.542A>G, p.His181Arg (NM_001352921.3, NM_001352922.2); short protein forms H181R.
Identifiers: ClinVar variation 638089 (VCV000638089.6), dbSNP rs776228545, ClinGen allele CA8817950.

ClinVar aggregate classification (germline): Conflicting classifications of pathogenicity. Review status: criteria provided, conflicting classifications (1 of 4 stars). 3 submissions from 3 submitters: Pathogenic (1); Uncertain significance (2). Last evaluated 2024-10-12.

Conditions:
Mucopolysaccharidosis, MPS-III-A (MPS3A). Also called: Mucopolysaccharidosis, type IIIA; MPS IIIA (Sanfilippo Syndrome Type A); MPS III A; SANFILIPPO SYNDROME A; SULFAMIDASE DEFICIENCY; Mucopolysaccharidosis type IIIA (Sanfilippo A). Identifiers: Orphanet 581, Orphanet 79269, MedGen C0086647, MONDO:0009655, OMIM 252900.

Allele frequency attached by ClinVar (database versions not stated): gnomAD exomes below 0.00001; ExAC 0.00001.
gnomAD v4.1: 3 of 1,612,904 alleles (0.00019%); highest among the groups gnomAD compares: Non-Finnish European, 0.00025%; no homozygotes.

Submissions (3):

Labcorp Genetics (formerly Invitae), Labcorp
Classification: Pathogenic for Mucopolysaccharidosis, MPS-III-A. Last evaluated: 2024-10-12. Review status: criteria provided, single submitter. Criteria: Invitae Variant Classification Sherloc (09022015). Collection method: clinical testing. Allele origin: germline.
Comment: This sequence change replaces histidine, which is basic and polar, with arginine, which is basic and polar, at codon 181 of the SGSH protein (p.His181Arg). This variant is present in population databases (rs776228545, gnomAD 0.0009%). This missense change has been observed in individual(s) with clinical features of Sanfilippo syndrome and/or mucopolysaccharidosis type IIIA (PMID: 30809705; external communications, internal data). In at least one individual the data is consistent with being in trans (on the opposite chromosome) from a pathogenic variant. ClinVar contains an entry for this variant (Variation ID: 638089). Invitae Evidence Modeling of protein sequence and biophysical properties (such as structural, functional, and spatial information, amino acid conservation, physicochemical variation, residue mobility, and thermodynamic stability) indicates that this missense variant is expected to disrupt SGSH protein function with a positive predictive value of 95%. For these reasons, this variant has been classified as Pathogenic.

Genome-Nilou Lab
Classification: Uncertain significance for Mucopolysaccharidosis, MPS-III-A. Last evaluated: 2021-11-07. Review status: criteria provided, single submitter. Criteria: ACMG Guidelines, 2015. Collection method: clinical testing. Allele origin: germline. Affected: no.

Laboratory of Diagnosis and Therapy of Lysosomal Disorders, University of Padova
Classification: Uncertain significance for Mucopolysaccharidosis, MPS-III-A. Last evaluated: 2019-01-01. Review status: criteria provided, single submitter. Criteria: ACMG Guidelines, 2015. Collection method: literature only. Allele origin: germline. Affected: yes.
Comment: PM2: Very low frequency in ExAc. PP3:multiple lines of computational evidence supporting a deleterious effect (DANN, MutationTaster, GERP, SIFT)

Literature cited by the submitters: PubMed 30809705 (cited by Labcorp Genetics (formerly Invitae), Labcorp and Laboratory of Diagnosis and Therapy of Lysosomal Disorders, University of Padova).